The following is an entry in ClinVar:

NM_014795.4(ZEB2):c.554G>T (p.Arg185Leu)

Genes: ZEB2 (zinc finger E-box binding homeobox 2; minus strand), LOC111721705 (skeletal muscle cis-regulatory module overlapping ZEB2; plus strand). Cytogenetic location: 2q22.3.
Variant type: single nucleotide variant.
Coding change: c.554G>T on transcript NM_014795.4 (MANE Select); coding-DNA position 554, G replaced by T.
Protein change: p.Arg185Leu; replaces arginine 185 with leucine.
Molecular consequence: missense variant.
Genome position (GRCh38, 1-based): chr2:144,404,874, C>A on the plus strand (G>T on the coding strand, the complement: ZEB2 is on the minus strand). VCF-style: chr2-144404874-C-A. GRCh37 (hg19) VCF-style: chr2-145162441-C-A.
Other names: c.482G>T, p.Arg161Leu (NM_001171653.2); short protein forms R161L, R185L.
Identifiers: ClinVar variation 3620919 (VCV003620919.2).

ClinVar aggregate classification (germline): Uncertain significance (1 of 4 stars; one submission).

Conditions:
Mowat-Wilson syndrome (MOWS). Also called: Classic Mowat-Wilson Syndrome. Identifiers: Orphanet 2152, MedGen C1856113, MONDO:0009341, OMIM 235730.

Submission:

Labcorp Genetics (formerly Invitae), Labcorp
Classification: Uncertain significance for Mowat-Wilson syndrome. Last evaluated: 2024-08-12. Review status: criteria provided, single submitter. Criteria: Invitae Variant Classification Sherloc (09022015). Collection method: clinical testing. Allele origin: germline.
Comment: This sequence change replaces arginine, which is basic and polar, with leucine, which is neutral and non-polar, at codon 185 of the ZEB2 protein (p.Arg185Leu). This variant is present in population databases (rs752377563, gnomAD 0.004%). This variant has not been reported in the literature in individuals affected with ZEB2-related conditions. Advanced modeling of protein sequence and biophysical properties (such as structural, functional, and spatial information, amino acid conservation, physicochemical variation, residue mobility, and thermodynamic stability) performed at Invitae indicates that this missense variant is expected to disrupt ZEB2 protein function with a positive predictive value of 80%. In summary, the available evidence is currently insufficient to determine the role of this variant in disease. Therefore, it has been classified as a Variant of Uncertain Significance.